The following is an entry in ClinVar:

NR_033294.2(SNORD118):n.11G>A

Genes: TMEM107 (transmembrane protein 107; minus strand), SNORD118 (small nucleolar RNA, C/D box 118; minus strand). Cytogenetic location: 17p13.1.
Variant type: single nucleotide variant.
Molecular consequence: non-coding transcript variant (on NR_033294.2). On other transcripts: 3 prime UTR variant (5).
Genome position: GRCh38 VCF-style: chr17-8173578-C-T. GRCh37 (hg19) VCF-style: chr17-8076896-C-T.
Other names: c.*625G>A (NM_001351278.2, NM_001351279.2, NM_001351280.2 and 3 more transcripts).
Identifiers: ClinVar variation 1627761 (VCV001627761.10), dbSNP rs116705206, ClinGen allele CA8370830.
Genomic context (GRCh38, chr17:8,173,578, plus strand): 5'-GCATCTCCAATCATCATGTTCTAATCTGCCCTCCGGAGGAGGAACAGGTAAGGATTATCC[C>T]ACCTGACGATACAGACAAACAGCCGACATTCTGCACTCAGTGAAAAAGATTCCGTTACAA-3'

ClinVar aggregate classification (germline): Benign. Review status: criteria provided, single submitter (1 of 4 stars). 2 submissions from 2 submitters: Benign (1). 1 of the submissions does not count toward it. Last evaluated 2026-01-08.

Conditions:
TMEM107-related disorder. Also called: TMEM107-related condition.

Allele frequency attached by ClinVar (database versions not stated): gnomAD exomes 0.00166; ExAC 0.00189; gnomAD 0.00565; ESP Exome Variant Server 0.00576; 1000 Genomes Project 0.00739; 1000 Genomes Project 30x 0.00859.
gnomAD v4.1: 1,429 of 764,528 alleles (0.19%); highest among the groups gnomAD compares: African/African-American, 1.8%; 17 homozygotes.

Submissions (2):

Labcorp Genetics (formerly Invitae), Labcorp
Classification: Benign. Last evaluated: 2026-01-08. Review status: criteria provided, single submitter. Criteria: Invitae Variant Classification Sherloc (09022015). Collection method: clinical testing. Allele origin: germline.

PreventionGenetics, part of Exact Sciences
Classification: Likely benign for TMEM107-related condition. Last evaluated: 2023-02-10. Review status: no assertion criteria provided. Collection method: clinical testing. Allele origin: germline. Not counted in ClinVar's aggregate classification.
Comment: This variant is classified as likely benign based on ACMG/AMP sequence variant interpretation guidelines (Richards et al. 2015 PMID: 25741868, with internal and published modifications).